The following is an entry in ClinVar:

ClinVar aggregate classification (germline): Likely benign (1 of 4 stars; one submission).

gnomAD v4.1: 7 of 398,538 alleles (0.0018%); highest among the groups gnomAD compares: Admixed American, 0.0044%; no homozygotes.

Submission:

CeGaT Center for Human Genetics Tuebingen
Classification: Likely benign. Last evaluated: 2025-05-01. Review status: criteria provided, single submitter. Criteria: CeGaT Center For Human Genetics Tuebingen Variant Classification Criteria Version 2. Collection method: clinical testing. Allele origin: germline. Affected: yes. Observed: 1 variant allele.
Comment: CPHXL: BP4, BP7

NM_001355613.1(CPHXL):c.669G>T (p.Gly223=)

Gene: CPHXL (cytoplasmic polyadenylated homeobox like; minus strand). Cytogenetic location: 16q23.1.
Variant type: single nucleotide variant.
Coding change: c.669G>T on transcript NM_001355613.1 (MANE Select); coding-DNA position 669, G replaced by T.
Protein change: p.Gly223=; no amino-acid change (glycine 223 retained).
Molecular consequence: synonymous variant.
Genome position (GRCh38, 1-based): chr16:75,714,773, C>A on the plus strand (G>T on the coding strand, the complement: CPHXL is on the minus strand). VCF-style: chr16-75714773-C-A. GRCh37 (hg19) VCF-style: chr16-75748671-C-A.
Identifiers: ClinVar variation 3905705 (VCV003905705.10).